The following is an entry in ClinVar:

ClinVar aggregate classification (germline): Conflicting classifications of pathogenicity. Review status: criteria provided, conflicting classifications (1 of 4 stars). 6 submissions from 6 submitters: Uncertain significance (3); Likely benign (2). 1 of the submissions does not count toward it. Last evaluated 2026-01-05.

Conditions:
Fanconi anemia (FA). Also called: Fanconi's anemia. Identifiers: Orphanet 84, MedGen C0015625, MeSH D005199, MONDO:0019391.
FANCM-related disorder. Also called: FANCM-related condition.

Allele frequency attached by ClinVar (database versions not stated): 1000 Genomes Project 0.00060; gnomAD 0.00006 and 0.00007; TOPMed 0.00008; 1000 Genomes Project 30x 0.00047.
gnomAD v4.1: 75 of 1,607,634 alleles (0.0047%); highest among the groups gnomAD compares: East Asian, 0.14%; no homozygotes.

Submissions (6):

Labcorp Genetics (formerly Invitae), Labcorp
Classification: Likely benign for Fanconi anemia. Last evaluated: 2026-01-05. Review status: criteria provided, single submitter. Criteria: Invitae Variant Classification Sherloc (09022015). Collection method: clinical testing. Allele origin: germline.

GeneDx
Classification: Uncertain significance. Last evaluated: 2025-03-05. Review status: criteria provided, single submitter. Criteria: GeneDx Variant Classification Process June 2021. Collection method: clinical testing. Allele origin: germline. Affected: yes.
Comment: In silico analysis supports that this missense variant has a deleterious effect on protein structure/function; Has not been previously published as pathogenic or benign to our knowledge; This variant is associated with the following publications: (PMID: 33471991)

Blueprint Genetics
Classification: Uncertain significance. Last evaluated: 2023-08-08. Review status: criteria provided, single submitter. Criteria: ACMG Guidelines, 2015. Collection method: clinical testing. Allele origin: germline.

Quest Diagnostics Nichols Institute San Juan Capistrano
Classification: Likely benign. Last evaluated: 2022-08-08. Review status: criteria provided, single submitter. Criteria: Quest Diagnostics criteria. Collection method: clinical testing. Allele origin: unknown.

CeGaT Center for Human Genetics Tuebingen
Classification: Uncertain significance. Last evaluated: 2019-11-01. Review status: criteria provided, single submitter. Criteria: CeGaT Center For Human Genetics Tuebingen Variant Classification Criteria Version 2. Collection method: clinical testing. Allele origin: germline. Affected: yes. Observed: 2 variant alleles.

PreventionGenetics, part of Exact Sciences
Classification: Likely benign for FANCM-related condition. Last evaluated: 2023-02-28. Review status: no assertion criteria provided. Collection method: clinical testing. Allele origin: germline. Not counted in ClinVar's aggregate classification.
Comment: This variant is classified as likely benign based on ACMG/AMP sequence variant interpretation guidelines (Richards et al. 2015 PMID: 25741868, with internal and published modifications).

Literature cited by the submitters: PubMed 33471991 (cited by Quest Diagnostics Nichols Institute San Juan Capistrano).

NM_020937.4(FANCM):c.2330A>G (p.Tyr777Cys)

Gene: FANCM (FA complementation group M; plus strand). Cytogenetic location: 14q21.2.
Variant type: single nucleotide variant.
Coding change: c.2330A>G on transcript NM_020937.4 (MANE Select); coding-DNA position 2330, A replaced by G.
Protein change: p.Tyr777Cys; replaces tyrosine 777 with cysteine.
Molecular consequence: missense variant.
Genome position (GRCh38, 1-based): chr14:45,175,084, A>G. VCF-style: chr14-45175084-A-G. GRCh37 (hg19) VCF-style: chr14-45644287-A-G.
Other names: c.2330A>G (LRG_502t1, NM_020937.3); c.2252A>G, p.Tyr751Cys (NM_001308133.2); short protein forms Y777C, Y751C.
Identifiers: ClinVar variation 456259 (VCV000456259.60), dbSNP rs200173413, ClinGen allele CA7169337.